The following is an entry in ClinVar:

NM_001286445.3(RIPOR2):c.2048C>T (p.Ser683Leu)

Gene: RIPOR2 (RHO family interacting cell polarization regulator 2; minus strand). Cytogenetic location: 6p22.3.
Variant type: single nucleotide variant.
Coding change: c.2048C>T on transcript NM_001286445.3 (MANE Select); coding-DNA position 2048, C replaced by T.
Protein change: p.Ser683Leu; replaces serine 683 with leucine.
Molecular consequence: missense variant.
Genome position (GRCh38, 1-based): chr6:24,835,863, G>A on the plus strand (C>T on the coding strand, the complement: RIPOR2 is on the minus strand). VCF-style: chr6-24835863-G-A. GRCh37 (hg19) VCF-style: chr6-24836091-G-A.
Other names: c.2111C>T (NM_014722.2, NM_014722.4); c.1961C>T, p.Ser654Leu (NM_001346031.2, NM_001346032.2); c.2111C>T, p.Ser704Leu (NM_014722.5); short protein forms S654L, S683L, S704L.
Identifiers: ClinVar variation 3390704 (VCV003390704.3).

ClinVar aggregate classification (germline): Uncertain significance. Review status: criteria provided, multiple submitters, no conflicts (2 of 4 stars). 3 submissions from 3 submitters: Uncertain significance (3). Last evaluated 2025-05-14.

Conditions:
RIPOR2-related disorder. Also called: RIPOR2-related condition.

gnomAD v4.1: 7 of 1,551,270 alleles (0.00045%); highest among the groups gnomAD compares: Non-Finnish European, 0.00061%; no homozygotes.

Submissions (3):

Ambry Genetics
Classification: Uncertain significance. Last evaluated: 2025-05-14. Review status: criteria provided, single submitter. Criteria: Ambry Variant Classification Scheme 2023. Collection method: clinical testing. Allele origin: germline.

PreventionGenetics, part of Exact Sciences
Classification: Uncertain significance for RIPOR2-related condition. Last evaluated: 2025-01-19. Review status: criteria provided, single submitter. Criteria: ACMG Guidelines, 2015. Collection method: clinical testing. Allele origin: germline.
Comment: The RIPOR2 c.2111C>T variant is predicted to result in the amino acid substitution p.Ser704Leu. To our knowledge, this variant has not been reported in the literature. This variant is reported in 0.0017% of alleles in individuals of European (Non-Finnish) descent in gnomAD. At this time, the clinical significance of this variant is uncertain due to the absence of conclusive functional and genetic evidence.

GeneDx
Classification: Uncertain significance. Last evaluated: 2024-06-10. Review status: criteria provided, single submitter. Criteria: GeneDx Variant Classification Process June 2021. Collection method: clinical testing. Allele origin: germline. Affected: yes.
Comment: Not observed at significant frequency in large population cohorts (gnomAD); In silico analysis indicates that this missense variant does not alter protein structure/function; Has not been previously published as pathogenic or benign to our knowledge; Variants in candidate genes are classified as variants of uncertain significance in accordance with ACMG guidelines (PMID: 25741868)